The following is an entry in ClinVar:

ClinVar aggregate classification (germline): Uncertain significance (1 of 4 stars; one submission).

Conditions:
Arrhythmogenic right ventricular dysplasia 9 (ARVD9). Also called: Arrhythmogenic Right Ventricular Dysplasia/Cardiomyopathy 9; ARRHYTHMOGENIC RIGHT VENTRICULAR DYSPLASIA, FAMILIAL, 9. Identifiers: MedGen C1836906, MONDO:0012180, OMIM 609040.

Submission:

Labcorp Genetics (formerly Invitae), Labcorp
Classification: Uncertain significance for Arrhythmogenic right ventricular dysplasia 9. Last evaluated: 2024-12-30. Review status: criteria provided, single submitter. Criteria: Invitae Variant Classification Sherloc (09022015). Collection method: clinical testing. Allele origin: germline.
Comment: This sequence change replaces aspartic acid, which is acidic and polar, with glycine, which is neutral and non-polar, at codon 812 of the PKP2 protein (p.Asp812Gly). This variant is not present in population databases (gnomAD no frequency). This variant has not been reported in the literature in individuals affected with PKP2-related conditions. An algorithm developed to predict the effect of missense changes on protein structure and function (PolyPhen-2) suggests that this variant is likely to be tolerated. In summary, the available evidence is currently insufficient to determine the role of this variant in disease. Therefore, it has been classified as a Variant of Uncertain Significance.

NM_001005242.3(PKP2):c.2303A>G (p.Asp768Gly)

Gene: PKP2 (plakophilin 2; minus strand). Cytogenetic location: 12p11.21.
Variant type: single nucleotide variant.
Coding change: c.2303A>G on transcript NM_001005242.3 (MANE Select); coding-DNA position 2303, A replaced by G.
Protein change: p.Asp768Gly; replaces aspartic acid 768 with glycine.
Molecular consequence: missense variant. On other transcripts: intron variant (2).
Genome position (GRCh38, 1-based): chr12:32,796,163, T>C on the plus strand (A>G on the coding strand, the complement: PKP2 is on the minus strand). VCF-style: chr12-32796163-T-C. GRCh37 (hg19) VCF-style: chr12-32949097-T-C.
Other names: c.2138A>G, p.Asp713Gly (NM_001407156.1); c.1976A>G, p.Asp659Gly (NM_001407158.1, NM_001407159.1); c.2435A>G, p.Asp812Gly (NM_004572.4); c.2168-3432A>G (NM_001407155.1); c.1841-3432A>G (NM_001407160.1); short protein forms D659G, D713G, D768G, D812G.
Identifiers: ClinVar variation 3608276 (VCV003608276.2).